The following is an entry in ClinVar:

ClinVar aggregate classification (germline): Uncertain significance. Review status: criteria provided, multiple submitters, no conflicts (2 of 4 stars). 2 submissions from 2 submitters: Uncertain significance (2). Last evaluated 2025-07-16.

Allele frequency attached by ClinVar (database versions not stated): TOPMed below 0.00001; ExAC 0.00001; gnomAD 0.00001; gnomAD exomes 0.00002.
gnomAD v4.1: 22 of 1,614,138 alleles (0.0014%); highest among the groups gnomAD compares: South Asian, 0.024%; no homozygotes.

Submissions (2):

Labcorp Genetics (formerly Invitae), Labcorp
Classification: Uncertain significance. Last evaluated: 2025-07-16. Review status: criteria provided, single submitter. Criteria: Invitae Variant Classification Sherloc (09022015). Collection method: clinical testing. Allele origin: germline.
Comment: This sequence change replaces proline, which is neutral and non-polar, with leucine, which is neutral and non-polar, at codon 515 of the SIAE protein (p.Pro515Leu). This variant is present in population databases (rs762731994, gnomAD 0.01%). This variant has not been reported in the literature in individuals affected with SIAE-related conditions. ClinVar contains an entry for this variant (Variation ID: 1469979). An algorithm developed to predict the effect of missense changes on protein structure and function (PolyPhen-2) suggests that this variant is likely to be tolerated. In summary, the available evidence is currently insufficient to determine the role of this variant in disease. Therefore, it has been classified as a Variant of Uncertain Significance.

Ambry Genetics
Classification: Uncertain significance. Last evaluated: 2021-07-20. Review status: criteria provided, single submitter. Criteria: Ambry Variant Classification Scheme 2023. Collection method: clinical testing. Allele origin: germline.

NM_170601.5(SIAE):c.1544C>T (p.Pro515Leu)

Gene: SIAE (sialic acid acetylesterase; minus strand). Cytogenetic location: 11q24.2.
Variant type: single nucleotide variant.
Coding change: c.1544C>T on transcript NM_170601.5 (MANE Select); coding-DNA position 1544, C replaced by T.
Protein change: p.Pro515Leu; replaces proline 515 with leucine.
Molecular consequence: missense variant.
Genome position (GRCh38, 1-based): chr11:124,636,979, G>A on the plus strand (C>T on the coding strand, the complement: SIAE is on the minus strand). VCF-style: chr11-124636979-G-A. GRCh37 (hg19) VCF-style: chr11-124506875-G-A.
Other names: c.1544C>T (NM_170601.4); c.1439C>T, p.Pro480Leu (NM_001199922.2); short protein forms P515L, P480L.
Identifiers: ClinVar variation 1469979 (VCV001469979.9), dbSNP rs762731994, ClinGen allele CA6341150.